The following is an entry in ClinVar:

NM_001042492.3(NF1):c.6977dup (p.Asp2326fs)

Gene: NF1 (neurofibromin 1; plus strand). Cytogenetic location: 17q11.2.
Variant type: Duplication.
Coding change: c.6977dup on transcript NM_001042492.3 (MANE Select); coding-DNA position 6977, one base duplicated (A; older notation c.6977dupA).
Protein change: p.Asp2326fs; shifts the reading frame from aspartic acid 2326.
Molecular consequence: frameshift variant.
Genome position (GRCh38, 1-based): chr17:31,340,560, A duplicated. VCF-style (leftmost placement, unchanged base first): chr17-31340559-G-GA. GRCh37 (hg19) VCF-style: chr17-29667577-G-GA.
Other names: c.6914dup, p.Asp2305fs (NM_000267.4); short protein forms D2305fs, D2326fs.
Identifiers: ClinVar variation 4853914 (VCV004853914.1).

ClinVar aggregate classification (germline): Likely pathogenic (1 of 4 stars; one submission).

Conditions:
Neurofibromatosis, type 1 (NF1). Also called: VON RECKLINGHAUSEN DISEASE; Neurofibromatosis, type I; NEUROFIBROMATOSIS, TYPE I, SOMATIC; Peripheral type neurofibromatosis. Identifiers: Orphanet 636, MedGen C0027831, MONDO:0018975, OMIM 162200. Disease mechanism: loss of function.

Submission:

3billion
Classification: Likely pathogenic for Neurofibromatosis, type 1. Last evaluated: 2025-07-17. Review status: criteria provided, single submitter. Criteria: ACMG Guidelines, 2015. Collection method: clinical testing. Allele origin: germline. Affected: yes.
Comment: The variant is not observed in the gnomAD v4.1.0 dataset. Predicted Consequence/Location: Frameshift: predicted to result in a loss or disruption of normal protein function through nonsense-mediated decay (NMD) or protein truncation. Multiple pathogenic variants are reported downstream of the variant. Therefore, this variant is classified as Likely pathogenic according to the recommendation of ACMG/AMP guideline.